The following is an entry in ClinVar:

NM_000929.3(PLA2G5):c.88G>A (p.Glu30Lys)

Gene: PLA2G5 (phospholipase A2 group V; plus strand). Cytogenetic location: 1p36.13.
Variant type: single nucleotide variant.
Coding change: c.88G>A on transcript NM_000929.3 (MANE Select); coding-DNA position 88, G replaced by A.
Protein change: p.Glu30Lys; replaces glutamic acid 30 with lysine.
Molecular consequence: missense variant.
Genome position (GRCh38, 1-based): chr1:20,086,130, G>A. VCF-style: chr1-20086130-G-A. GRCh37 (hg19) VCF-style: chr1-20412623-G-A.
Other names: short protein forms E30K.
Identifiers: ClinVar variation 1063610 (VCV001063610.9), dbSNP rs141524733, ClinGen allele CA658171.

ClinVar aggregate classification (germline): Uncertain significance (1 of 4 stars; one submission).

Allele frequency attached by ClinVar (database versions not stated): ExAC 0.00001; gnomAD exomes 0.00001; gnomAD 0.00002; TOPMed 0.00002; ESP Exome Variant Server 0.00008.
gnomAD v4.1: 26 of 1,613,954 alleles (0.0016%); highest among the groups gnomAD compares: African/African-American, 0.004%; no homozygotes.

Submission:

Labcorp Genetics (formerly Invitae), Labcorp
Classification: Uncertain significance. Last evaluated: 2025-01-12. Review status: criteria provided, single submitter. Criteria: Invitae Variant Classification Sherloc (09022015). Collection method: clinical testing. Allele origin: germline.
Comment: This sequence change replaces glutamic acid, which is acidic and polar, with lysine, which is basic and polar, at codon 30 of the PLA2G5 protein (p.Glu30Lys). This variant is present in population databases (rs141524733, gnomAD 0.004%). This variant has not been reported in the literature in individuals affected with PLA2G5-related conditions. ClinVar contains an entry for this variant (Variation ID: 1063610). An algorithm developed to predict the effect of missense changes on protein structure and function outputs the following: PolyPhen-2: "Benign". The lysine amino acid residue is found in multiple mammalian species, which suggests that this missense change does not adversely affect protein function. In summary, the available evidence is currently insufficient to determine the role of this variant in disease. Therefore, it has been classified as a Variant of Uncertain Significance.